The following is an entry in ClinVar:

ClinVar aggregate classification (germline): Uncertain significance (1 of 4 stars; one submission).

Submission:

Labcorp Genetics (formerly Invitae), Labcorp
Classification: Uncertain significance. Last evaluated: 2025-05-10. Review status: criteria provided, single submitter. Criteria: Invitae Variant Classification Sherloc (09022015). Collection method: clinical testing. Allele origin: germline.
Comment: This sequence change replaces cysteine, which is neutral and slightly polar, with phenylalanine, which is neutral and non-polar, at codon 869 of the ROBO2 protein (p.Cys869Phe). This variant is not present in population databases (gnomAD no frequency). This variant has not been reported in the literature in individuals affected with ROBO2-related conditions. Invitae Evidence Modeling of protein sequence and biophysical properties (such as structural, functional, and spatial information, amino acid conservation, physicochemical variation, residue mobility, and thermodynamic stability) indicates that this missense variant is not expected to disrupt ROBO2 protein function with a negative predictive value of 95%. In summary, the available evidence is currently insufficient to determine the role of this variant in disease. Therefore, it has been classified as a Variant of Uncertain Significance.

NM_001395656.1(ROBO2):c.2618G>T (p.Cys873Phe)

Gene: ROBO2 (roundabout guidance receptor 2; plus strand). Cytogenetic location: 3p12.3.
Variant type: single nucleotide variant.
Coding change: c.2618G>T on transcript NM_001395656.1 (MANE Select); coding-DNA position 2618, G replaced by T.
Protein change: p.Cys873Phe; replaces cysteine 873 with phenylalanine.
Molecular consequence: missense variant.
Genome position (GRCh38, 1-based): chr3:77,588,856, G>T. VCF-style: chr3-77588856-G-T. GRCh37 (hg19) VCF-style: chr3-77638007-G-T.
Other names: c.2666G>T, p.Cys889Phe (NM_001378196.1, NM_001378200.1, NM_001378201.1 and 4 more transcripts); c.2606G>T, p.Cys869Phe (NM_001378197.1, NM_002942.5, NM_001378193.1); c.2687G>T, p.Cys896Phe (NM_001378198.1, NM_001378199.1, NM_001394213.1 and 2 more transcripts); c.2618G>T, p.Cys873Phe (NM_001378202.1, NM_001290039.2, NM_001290040.2); c.2675G>T, p.Cys892Phe (NM_001394212.1, NM_001394214.1, NM_001395657.1); c.2654G>T, p.Cys885Phe (NM_001128929.3); c.827G>T, p.Cys276Phe (NM_001290065.2); short protein forms C869F, C885F, C896F, C873F, C889F, C892F, C276F.
Identifiers: ClinVar variation 4768887 (VCV004768887.1).